The following is an entry in ClinVar:

NM_004260.4(RECQL4):c.55C>G (p.Arg19Gly)

Genes: RECQL4 (RecQ like helicase 4; minus strand), LOC130001411 (ATAC-STARR-seq lymphoblastoid silent region 19699; plus strand). Cytogenetic location: 8q24.3.
Variant type: single nucleotide variant.
Coding change: c.55C>G on transcript NM_004260.4 (MANE Select); coding-DNA position 55, C replaced by G.
Protein change: p.Arg19Gly; replaces arginine 19 with glycine.
Molecular consequence: missense variant.
Genome position (GRCh38, 1-based): chr8:144,517,730, G>C on the plus strand (C>G on the coding strand, the complement: RECQL4 is on the minus strand). VCF-style: chr8-144517730-G-C. GRCh37 (hg19) VCF-style: chr8-145743114-G-C.
Other names: short protein forms R19G.
Identifiers: ClinVar variation 1010016 (VCV001010016.3), dbSNP rs1401366375, ClinGen allele CA372693771.
Genomic context (GRCh38, chr8:144,517,730, plus strand): 5'-CTCAGCCCCTCGGCCCCTGGGCAGCCCGCACCTGGCTCGGTCGCCGCCCGCGCTGCCGTC[G>C]GAACGCGCGCTCCCACGCCTGCAGCCGCTCCCGCACGTCCCGCAGCCGCTCCATGGCGCG-3'
Protein context (NP_004251.4, residues 9-29): ERLQAWERAF[Arg19Gly]RQRGRRPSQD

ClinVar aggregate classification (germline): Uncertain significance (1 of 4 stars; one submission).

Conditions:
Baller-Gerold syndrome (BGS). Also called: CRANIOSYNOSTOSIS WITH RADIAL DEFECTS. Identifiers: Orphanet 1225, MedGen C0265308, MONDO:0009039, OMIM 218600.

Submission:

Labcorp Genetics (formerly Invitae), Labcorp
Classification: Uncertain significance for Baller-Gerold syndrome. Last evaluated: 2023-11-15. Review status: criteria provided, single submitter. Criteria: Invitae Variant Classification Sherloc (09022015). Collection method: clinical testing. Allele origin: germline.
Comment: This sequence change replaces arginine, which is basic and polar, with glycine, which is neutral and non-polar, at codon 19 of the RECQL4 protein (p.Arg19Gly). This variant is not present in population databases (gnomAD no frequency). This variant has not been reported in the literature in individuals affected with RECQL4-related conditions. ClinVar contains an entry for this variant (Variation ID: 1010016). Experimental studies and prediction algorithms are not available or were not evaluated, and the functional significance of this variant is currently unknown. In summary, the available evidence is currently insufficient to determine the role of this variant in disease. Therefore, it has been classified as a Variant of Uncertain Significance.